The following is an entry in ClinVar:

NM_004260.4(RECQL4):c.2209C>T (p.Pro737Ser)

Gene: RECQL4 (RecQ like helicase 4; minus strand). Cytogenetic location: 8q24.3.
Variant type: single nucleotide variant.
Coding change: c.2209C>T on transcript NM_004260.4 (MANE Select); coding-DNA position 2209, C replaced by T.
Protein change: p.Pro737Ser; replaces proline 737 with serine.
Molecular consequence: missense variant.
Genome position (GRCh38, 1-based): chr8:144,513,472, G>A on the plus strand (C>T on the coding strand, the complement: RECQL4 is on the minus strand). VCF-style: chr8-144513472-G-A. GRCh37 (hg19) VCF-style: chr8-145738856-G-A.
Other names: c.2209C>T (NM_004260.3); short protein forms P737S.
Identifiers: ClinVar variation 1425171 (VCV001425171.7), dbSNP rs550529518, ClinGen allele CA4948382.

ClinVar aggregate classification (germline): Uncertain significance. Review status: criteria provided, multiple submitters, no conflicts (2 of 4 stars). 2 submissions from 2 submitters: Uncertain significance (2). Last evaluated 2025-07-03.

Conditions:
Inborn genetic diseases. Identifiers: MedGen C0950123, MeSH D030342.
Baller-Gerold syndrome (BGS). Also called: CRANIOSYNOSTOSIS WITH RADIAL DEFECTS. Identifiers: Orphanet 1225, MedGen C0265308, MONDO:0009039, OMIM 218600.

Allele frequency attached by ClinVar (database versions not stated): gnomAD exomes below 0.00001 and 0.00001; gnomAD 0.00001; ExAC 0.00002; 1000 Genomes Project 30x 0.00016; 1000 Genomes Project 0.00020.
gnomAD v4.1: 2 of 1,609,874 alleles (0.00012%); highest among the groups gnomAD compares: East Asian, 0.0022%; no homozygotes.

Submissions (2):

Ambry Genetics
Classification: Uncertain significance for Inborn genetic diseases. Last evaluated: 2025-07-03. Review status: criteria provided, single submitter. Criteria: Ambry Variant Classification Scheme 2023. Collection method: clinical testing. Allele origin: germline.
Comment: The p.P737S variant (also known as c.2209C>T), located in coding exon 14 of the RECQL4 gene, results from a C to T substitution at nucleotide position 2209. The proline at codon 737 is replaced by serine, an amino acid with similar properties. This amino acid position is conserved. In addition, this alteration is predicted to be tolerated by in silico analysis. Based on the available evidence, the clinical significance of this variant remains unclear.

Labcorp Genetics (formerly Invitae), Labcorp
Classification: Uncertain significance for Baller-Gerold syndrome. Last evaluated: 2023-12-09. Review status: criteria provided, single submitter. Criteria: Invitae Variant Classification Sherloc (09022015). Collection method: clinical testing. Allele origin: germline.
Comment: This sequence change replaces proline, which is neutral and non-polar, with serine, which is neutral and polar, at codon 737 of the RECQL4 protein (p.Pro737Ser). This variant is present in population databases (rs550529518, gnomAD 0.006%). This variant has not been reported in the literature in individuals affected with RECQL4-related conditions. ClinVar contains an entry for this variant (Variation ID: 1425171). Advanced modeling of protein sequence and biophysical properties (such as structural, functional, and spatial information, amino acid conservation, physicochemical variation, residue mobility, and thermodynamic stability) performed at Invitae indicates that this missense variant is not expected to disrupt RECQL4 protein function with a negative predictive value of 80%. In summary, the available evidence is currently insufficient to determine the role of this variant in disease. Therefore, it has been classified as a Variant of Uncertain Significance.